The following is an entry in ClinVar:

NM_001904.4(CTNNB1):c.1594G>A (p.Ala532Thr)

Genes: CTNNB1 (catenin beta 1; plus strand), LOC126806659 (BRD4-independent group 4 enhancer GRCh37_chr3:41274918-41276117; plus strand). Cytogenetic location: 3p22.1.
Variant type: single nucleotide variant.
Coding change: c.1594G>A on transcript NM_001904.4 (MANE Select); coding-DNA position 1594, G replaced by A.
Protein change: p.Ala532Thr; replaces alanine 532 with threonine.
Molecular consequence: missense variant.
Genome position (GRCh38, 1-based): chr3:41,234,208, G>A. VCF-style: chr3-41234208-G-A. GRCh37 (hg19) VCF-style: chr3-41275699-G-A.
Other names: c.1594G>A, p.Ala532Thr (NM_001098209.2, NM_001098210.2, NM_001438871.1 and 4 more transcripts); c.1573G>A, p.Ala525Thr (NM_001330729.2); short protein forms A532T, A525T.
Identifiers: ClinVar variation 4713486 (VCV004713486.1).

ClinVar aggregate classification (germline): Uncertain significance (1 of 4 stars; one submission).

Submission:

Labcorp Genetics (formerly Invitae), Labcorp
Classification: Uncertain significance. Last evaluated: 2025-07-18. Review status: criteria provided, single submitter. Criteria: Invitae Variant Classification Sherloc (09022015). Collection method: clinical testing. Allele origin: germline.
Comment: This sequence change replaces alanine, which is neutral and non-polar, with threonine, which is neutral and polar, at codon 532 of the CTNNB1 protein (p.Ala532Thr). This variant is not present in population databases (gnomAD no frequency). This variant has not been reported in the literature in individuals affected with CTNNB1-related conditions. Invitae Evidence Modeling of protein sequence and biophysical properties (such as structural, functional, and spatial information, amino acid conservation, physicochemical variation, residue mobility, and thermodynamic stability) indicates that this missense variant is not expected to disrupt CTNNB1 protein function with a negative predictive value of 80%. In summary, the available evidence is currently insufficient to determine the role of this variant in disease. Therefore, it has been classified as a Variant of Uncertain Significance.